The following is an entry in ClinVar:

ClinVar aggregate classification (germline): Uncertain significance (1 of 4 stars; one submission).

Conditions:
Charcot-Marie-Tooth disease type 2. Also called: Charcot-Marie-Tooth type 2. Identifiers: Orphanet 64746, MedGen C0270914, MONDO:0018993.

Submission:

Labcorp Genetics (formerly Invitae), Labcorp
Classification: Uncertain significance for Charcot-Marie-Tooth disease type 2. Last evaluated: 2021-06-13. Review status: criteria provided, single submitter. Criteria: Invitae Variant Classification Sherloc (09022015). Collection method: clinical testing. Allele origin: germline.
Comment: This sequence change affects codon 302 of the MED25 mRNA. It is a 'silent' change, meaning that it does not change the encoded amino acid sequence of the MED25 protein. This variant is not present in population databases (ExAC no frequency). This variant has not been reported in the literature in individuals with MED25-related conditions. Algorithms developed to predict the effect of sequence changes on RNA splicing suggest that this variant is not likely to affect RNA splicing, but this prediction has not been confirmed by published transcriptional studies. In summary, the available evidence is currently insufficient to determine the role of this variant in disease. Therefore, it has been classified as a Variant of Uncertain Significance.

NM_030973.4(MED25):c.906C>T (p.Arg302=)

Gene: MED25 (mediator complex subunit 25; plus strand). Cytogenetic location: 19q13.33.
Variant type: single nucleotide variant.
Coding change: c.906C>T on transcript NM_030973.4 (MANE Select); coding-DNA position 906, C replaced by T.
Protein change: p.Arg302=; no amino-acid change (arginine 302 retained).
Molecular consequence: synonymous variant.
Genome position (GRCh38, 1-based): chr19:49,830,597, C>T. VCF-style: chr19-49830597-C-T. GRCh37 (hg19) VCF-style: chr19-50333854-C-T.
Other names: c.906C>T, p.Arg302= (NM_001378355.1).
Identifiers: ClinVar variation 1360837 (VCV001360837.8), dbSNP rs1182901692, ClinGen allele CA508140983.